The following is an entry in ClinVar:

NM_133433.4(NIPBL):c.2432C>A (p.Ser811Tyr)

Gene: NIPBL (NIPBL cohesin loading factor; plus strand). Cytogenetic location: 5p13.2.
Variant type: single nucleotide variant.
Coding change: c.2432C>A on transcript NM_133433.4 (MANE Select); coding-DNA position 2432, C replaced by A.
Protein change: p.Ser811Tyr; replaces serine 811 with tyrosine.
Molecular consequence: missense variant.
Genome position (GRCh38, 1-based): chr5:36,985,612, C>A. VCF-style: chr5-36985612-C-A. GRCh37 (hg19) VCF-style: chr5-36985714-C-A.
Other names: c.2432C>A, p.Ser811Tyr (NM_015384.5); short protein forms S811Y.
Identifiers: ClinVar variation 2816488 (VCV002816488.3), dbSNP rs2477931357, ClinGen allele CA359501211.
Genomic context (GRCh38, chr5:36,985,612, plus strand): 5'-CTCGGTTAAAATCAGAACGAGCTGAAGCCTTAAAGCAGAGACCTGATGGGCGATCTGTTT[C>A]TGAGTCACTAAGACGTGACCATGATAATAAACAAAAATCAGATGACAGGGGTGAATCAGA-3'
Protein context (NP_597677.2, residues 801-821): LKQRPDGRSV[Ser811Tyr]ESLRRDHDNK

ClinVar aggregate classification (germline): Uncertain significance (1 of 4 stars; one submission).

Conditions:
Cornelia de Lange syndrome 1 (CDLS1). Also called: TYPUS DEGENERATIVUS AMSTELODAMENSIS; Brachmann de Lange syndrome; NIPBL-Related Cornelia de Lange Syndrome. Identifiers: Orphanet 199, MedGen C4551851, MONDO:0007387, OMIM 122470.

Allele frequency attached by ClinVar (database versions not stated): gnomAD exomes below 0.00001.
gnomAD v4.1: 1 of 1,613,912 alleles (0.000062%); highest among the groups gnomAD compares: South Asian, 0.0011%; no homozygotes.

Submission:

Labcorp Genetics (formerly Invitae), Labcorp
Classification: Uncertain significance for Cornelia de Lange syndrome 1. Last evaluated: 2023-06-06. Review status: criteria provided, single submitter. Criteria: Invitae Variant Classification Sherloc (09022015). Collection method: clinical testing. Allele origin: germline.
Comment: In summary, the available evidence is currently insufficient to determine the role of this variant in disease. Therefore, it has been classified as a Variant of Uncertain Significance. Advanced modeling of protein sequence and biophysical properties (such as structural, functional, and spatial information, amino acid conservation, physicochemical variation, residue mobility, and thermodynamic stability) performed at Invitae indicates that this missense variant is not expected to disrupt NIPBL protein function. This variant has not been reported in the literature in individuals affected with NIPBL-related conditions. This variant is not present in population databases (gnomAD no frequency). This sequence change replaces serine, which is neutral and polar, with tyrosine, which is neutral and polar, at codon 811 of the NIPBL protein (p.Ser811Tyr).